The following is an entry in ClinVar:

ClinVar aggregate classification (germline): Uncertain significance (1 of 4 stars; one submission).

Conditions:
Chédiak-Higashi syndrome (CHS). Also called: Chediak-Higashi Syndrome. Identifiers: Orphanet 167, MedGen C0007965, MONDO:0008963, OMIM 214500.

Allele frequency attached by ClinVar (database versions not stated): TOPMed 0.00004; gnomAD 0.00005; gnomAD exomes 0.00005; ExAC 0.00006; 1000 Genomes Project 30x 0.00016; 1000 Genomes Project 0.00020.
gnomAD v4.1: 82 of 1,612,854 alleles (0.0051%); highest among the groups gnomAD compares: East Asian, 0.033%; no homozygotes.

Submission:

Labcorp Genetics (formerly Invitae), Labcorp
Classification: Uncertain significance for Chédiak-Higashi syndrome. Last evaluated: 2022-10-18. Review status: criteria provided, single submitter. Criteria: Invitae Variant Classification Sherloc (09022015). Collection method: clinical testing. Allele origin: germline.
Comment: This sequence change replaces arginine, which is basic and polar, with glutamine, which is neutral and polar, at codon 1986 of the LYST protein (p.Arg1986Gln). This variant is present in population databases (rs529869172, gnomAD 0.08%). This variant has not been reported in the literature in individuals affected with LYST-related conditions. ClinVar contains an entry for this variant (Variation ID: 656016). Advanced modeling of protein sequence and biophysical properties (such as structural, functional, and spatial information, amino acid conservation, physicochemical variation, residue mobility, and thermodynamic stability) performed at Invitae indicates that this missense variant is not expected to disrupt LYST protein function. In summary, the available evidence is currently insufficient to determine the role of this variant in disease. Therefore, it has been classified as a Variant of Uncertain Significance.

NM_000081.4(LYST):c.5957G>A (p.Arg1986Gln)

Gene: LYST (lysosomal trafficking regulator; minus strand). Cytogenetic location: 1q42.3.
Variant type: single nucleotide variant.
Coding change: c.5957G>A on transcript NM_000081.4 (MANE Select); coding-DNA position 5957, G replaced by A.
Protein change: p.Arg1986Gln; replaces arginine 1986 with glutamine.
Molecular consequence: missense variant.
Genome position (GRCh38, 1-based): chr1:235,766,243, C>T on the plus strand (G>A on the coding strand, the complement: LYST is on the minus strand). VCF-style: chr1-235766243-C-T. GRCh37 (hg19) VCF-style: chr1-235929543-C-T.
Other names: c.5957G>A, p.Arg1986Gln (NM_001301365.1); short protein forms R1986Q.
Identifiers: ClinVar variation 656016 (VCV000656016.8), dbSNP rs529869172, ClinGen allele CA1466480.